The following is an entry in ClinVar:

NM_006259.3(PRKG2):c.717T>C (p.Asn239=)

Genes: PRKG2 (protein kinase cGMP-dependent 2; minus strand), PRKG2-AS1 (PRKG2 antisense RNA 1; plus strand). Cytogenetic location: 4q21.21.
Variant type: single nucleotide variant.
Coding change: c.717T>C on transcript NM_006259.3 (MANE Select); coding-DNA position 717, T replaced by C.
Protein change: p.Asn239=; no amino-acid change (asparagine 239 retained).
Molecular consequence: synonymous variant.
Genome position (GRCh38, 1-based): chr4:81,171,716, A>G on the plus strand (T>C on the coding strand, the complement: PRKG2 is on the minus strand). VCF-style: chr4-81171716-A-G. GRCh37 (hg19) VCF-style: chr4-82092870-A-G.
Other names: c.717T>C, p.Asn239= (NM_001282485.2, NM_001363401.2).
Identifiers: ClinVar variation 3059189 (VCV003059189.3), dbSNP rs17005080, ClinGen allele CA2983898.

ClinVar aggregate classification (germline): Benign. Review status: criteria provided, single submitter (1 of 4 stars). 2 submissions from 2 submitters: Benign (1). 1 of the submissions does not count toward it. Last evaluated 2026-05-09.

Conditions:
PRKG2-related disorder. Also called: PRKG2-related condition.

Allele frequency attached by ClinVar (database versions not stated): gnomAD exomes 0.12149; ESP Exome Variant Server 0.12256; 1000 Genomes Project 0.10883; 1000 Genomes Project 30x 0.10899; TOPMed 0.11532; ExAC 0.12246; gnomAD 0.10931.
gnomAD v4.1: 194,580 of 1,607,796 alleles (12%); highest among the groups gnomAD compares: Middle Eastern, 23%; 13,320 homozygotes.

Submissions (2):

Women's Health and Genetics/Laboratory Corporation of America, LabCorp
Classification: Benign. Last evaluated: 2026-05-09. Review status: criteria provided, single submitter. Criteria: LabCorp Variant Classification Summary - May 2015. Collection method: clinical testing. Allele origin: germline.

PreventionGenetics, part of Exact Sciences
Classification: Benign for PRKG2-related condition. Last evaluated: 2019-10-30. Review status: no assertion criteria provided. Collection method: clinical testing. Allele origin: germline. Not counted in ClinVar's aggregate classification.
Comment: This variant is classified as benign based on ACMG/AMP sequence variant interpretation guidelines (Richards et al. 2015 PMID: 25741868, with internal and published modifications).